The following is an entry in ClinVar:

ClinVar aggregate classification (germline): Uncertain significance (1 of 4 stars; one submission).

Conditions:
Congenital myasthenic syndrome 8. Also called: Myasthenic syndrome, congenital, 8, with pre- and postsynaptic defects; MYASTHENIC SYNDROME, CONGENITAL, DUE TO AGRIN DEFICIENCY. Identifiers: Orphanet 590, MedGen C3808739, MONDO:0014052, OMIM 615120.

Allele frequency attached by ClinVar (database versions not stated): TOPMed 0.00002.
gnomAD v4.1: 26 of 1,580,642 alleles (0.0016%); highest among the groups gnomAD compares: South Asian, 0.0069%; no homozygotes.

Submission:

Labcorp Genetics (formerly Invitae), Labcorp
Classification: Uncertain significance for Congenital myasthenic syndrome 8. Last evaluated: 2022-08-16. Review status: criteria provided, single submitter. Criteria: Invitae Variant Classification Sherloc (09022015). Collection method: clinical testing. Allele origin: germline.
Comment: This sequence change replaces arginine, which is basic and polar, with glutamine, which is neutral and polar, at codon 1416 of the AGRN protein (p.Arg1416Gln). The frequency data for this variant in the population databases is considered unreliable, as metrics indicate poor data quality at this position in the gnomAD database. This variant has not been reported in the literature in individuals affected with AGRN-related conditions. ClinVar contains an entry for this variant (Variation ID: 945915). Algorithms developed to predict the effect of missense changes on protein structure and function output the following: SIFT: "Tolerated"; PolyPhen-2: "Benign"; Align-GVGD: "Class C0". The glutamine amino acid residue is found in multiple mammalian species, which suggests that this missense change does not adversely affect protein function. In summary, the available evidence is currently insufficient to determine the role of this variant in disease. Therefore, it has been classified as a Variant of Uncertain Significance.

NM_198576.4(AGRN):c.4247G>A (p.Arg1416Gln)

Gene: AGRN (agrin; plus strand). Cytogenetic location: 1p36.33.
Variant type: single nucleotide variant.
Coding change: c.4247G>A on transcript NM_198576.4 (MANE Select); coding-DNA position 4247, G replaced by A.
Protein change: p.Arg1416Gln; replaces arginine 1416 with glutamine.
Molecular consequence: missense variant.
Genome position (GRCh38, 1-based): chr1:1,049,008, G>A. VCF-style: chr1-1049008-G-A. GRCh37 (hg19) VCF-style: chr1-984388-G-A.
Other names: c.4247G>A, p.Arg1416Gln (NM_001305275.2); c.3932G>A, p.Arg1311Gln (NM_001364727.2); short protein forms R1311Q, R1416Q.
Identifiers: ClinVar variation 945915 (VCV000945915.6), dbSNP rs759552420, ClinGen allele CA509368.